The following is an entry in ClinVar:

ClinVar aggregate classification (germline): Likely pathogenic (1 of 4 stars; one submission).

Submission:

Quest Diagnostics Nichols Institute San Juan Capistrano
Classification: Likely pathogenic. Last evaluated: 2021-12-20. Review status: criteria provided, single submitter. Criteria: ACMG/ClinGen CNV Guidelines, 2019. Collection method: clinical testing. Allele origin: unknown.
Comment: This deletion interval, distally adjacent to the Williams-Beuren syndrome (WBS) region, involves several genes. In the literature, 26 individuals from 10 unrelated families with a similar deletion of 7q11.23 exhibited variable expression and/or incomplete penetrance of epilepsy, learning difficulties, intellectual disabilities, and/or neurobehavioral abnormalities (Ramocki MB, et., Am J Hum Genet. 2010 Dec 10;87(6):857-65. PMID: 21109226). Similarly, atypical larger deletions of the WBS region suggest that haploinsufficiency of HIP1 and YWHAG might cause severe neurological and neuropsychological deficits including epilepsy and autistic traits (Fusco, et al., Eur J Hum Genet. 2014 Jan;22(1):64-70. PMID: 23756441). Therefore, based upon current medical literature, this copy number variant is classified as likely pathogenic.

GRCh37/hg19 7q11.23(chr7:75085014-76007380)x1

Genes: CCL24 (C-C motif chemokine ligand 24; minus strand), CCL26 (C-C motif chemokine ligand 26; minus strand), HIP1 (huntingtin interacting protein 1; minus strand), HSPB1 (heat shock protein family B (small) member 1; plus strand), MDH2 (malate dehydrogenase 2; plus strand) and 8 more. Cytogenetic location: 7q11.23.
Variant type: copy number loss.
Change: copy number 1 (one copy instead of two) of chr7:75,085,014-76,007,380 (922.4 kb, GRCh37 coordinates, 1-based), cytogenetic band 7q11.23.
Identifiers: ClinVar variation 1807835 (VCV001807835.1).